The following is an entry in ClinVar:

NM_001042545.2(LTBP4):c.891C>T (p.Gly297=)

Genes: LTBP4 (latent transforming growth factor beta binding protein 4; plus strand), LOC121627876 (Sharpr-MPRA regulatory region 12022; plus strand). Cytogenetic location: 19q13.2.
Variant type: single nucleotide variant.
Coding change: c.891C>T on transcript NM_001042545.2 (MANE Select); coding-DNA position 891, C replaced by T.
Protein change: p.Gly297=; no amino-acid change (glycine 297 retained).
Molecular consequence: synonymous variant.
Genome position (GRCh38, 1-based): chr19:40,606,426, C>T. VCF-style: chr19-40606426-C-T. GRCh37 (hg19) VCF-style: chr19-41112332-C-T.
Other names: c.1092C>T, p.Gly364= (NM_001042544.1); c.981C>T, p.Gly327= (NM_003573.2).
Identifiers: ClinVar variation 504729 (VCV000504729.58), dbSNP rs374427407, ClinGen allele CA9448142.

ClinVar aggregate classification (germline): Benign/Likely benign. Review status: criteria provided, multiple submitters, no conflicts (2 of 4 stars). 7 submissions from 7 submitters: Benign (3); Likely benign (3). 1 of the submissions does not count toward it. Last evaluated 2026-09-01.

Conditions:
Cutis laxa with severe pulmonary, gastrointestinal and urinary anomalies. Also called: URBAN-RIFKIN-DAVIS SYNDROME; Cutis laxa, autosomal recessive, type IC; LTBP4-Related Cutis Laxa. Identifiers: Orphanet 221145, MedGen C2750804, MONDO:0013170, OMIM 613177. Disease mechanism: loss of function.
LTBP4-related disorder. Also called: LTBP4-related condition.

Allele frequency attached by ClinVar (database versions not stated): 1000 Genomes Project 0.00120; 1000 Genomes Project 30x 0.00141; ESP Exome Variant Server 0.00240; TOPMed 0.00254; gnomAD exomes 0.00394; gnomAD 0.00535; ExAC 0.00719.
gnomAD v4.1: 6,265 of 1,594,500 alleles (0.39%); highest among the groups gnomAD compares: Non-Finnish European, 0.43%; 27 homozygotes.

Submissions (9):

CeGaT Center for Human Genetics Tuebingen
Classification: Likely benign. Last evaluated: 2026-09-01. Review status: criteria provided, single submitter. Criteria: CeGaT Center For Human Genetics Tuebingen Variant Classification Criteria Version 2. Collection method: clinical testing. Allele origin: germline. Affected: yes. Observed: 31 variant alleles.
Comment: LTBP4: BP4, BP7, BS2

Labcorp Genetics (formerly Invitae), Labcorp
Classification: Benign. Last evaluated: 2026-02-02. Review status: criteria provided, single submitter. Criteria: Invitae Variant Classification Sherloc (09022015). Collection method: clinical testing. Allele origin: germline.

Blueprint Genetics
Classification: Likely benign. Last evaluated: 2024-11-27. Review status: criteria provided, single submitter. Criteria: ACMG Guidelines, 2015. Collection method: clinical testing. Allele origin: germline.

GeneDx
Classification: Likely benign. Last evaluated: 2021-06-15. Review status: criteria provided, single submitter. Criteria: GeneDx Variant Classification Process June 2021. Collection method: clinical testing. Allele origin: germline. Affected: yes.

Illumina Laboratory Services, Illumina
Classification: Benign for Cutis laxa with severe pulmonary, gastrointestinal and urinary anomalies. Last evaluated: 2018-01-13. Review status: criteria provided, single submitter. Criteria: ICSL Variant Classification Criteria 13 December 2019. Collection method: clinical testing. Allele origin: germline.
Comment: This variant was observed in the ICSL laboratory as part of a predisposition screen in an ostensibly healthy population. It had not been previously curated by ICSL or reported in the Human Gene Mutation Database (HGMD: prior to June 1st, 2018), and was therefore a candidate for classification through an automated scoring system. Utilizing variant allele frequency, disease prevalence and penetrance estimates, and inheritance mode, an automated score was calculated to assess if this variant is too frequent to cause the disease. Based on the score and internal cut-off values, a variant classified as benign is not then subjected to further curation. The score for this variant resulted in a classification of benign for this disease.

Laboratory for Molecular Medicine, Mass General Brigham Personalized Medicine
Classification: Benign. Last evaluated: 2013-02-21. Review status: criteria provided, single submitter. Criteria: LMM Criteria. Collection method: clinical testing. Allele origin: germline. Observed: 1 variant allele.
Comment: Gly364Gly in exon 9 of LTBP4: This variant is not expected to have clinical sign ificance because it does not alter an amino acid residue and is not located with in the splice consensus sequence. It has been identified in 0.4% (30/8342) of Eu ropean American chromosomes from a broad population by the NHLBI Exome Sequencin g Project.

PreventionGenetics, part of Exact Sciences
Classification: Benign for LTBP4-related condition. Last evaluated: 2019-09-13. Review status: no assertion criteria provided. Collection method: clinical testing. Allele origin: germline. Not counted in ClinVar's aggregate classification.
Comment: This variant is classified as benign based on ACMG/AMP sequence variant interpretation guidelines (Richards et al. 2015 PMID: 25741868, with internal and published modifications).

Dr. Peter K. Rogan Lab, Western University
No classification provided (evidence only). Condition: Acute myeloid leukemia. Review status: no classification provided. Collection method: in vitro. Allele origin: not applicable. Functional consequence: retained intron. Not counted in ClinVar's aggregate classification.

Dr. Peter K. Rogan Lab, Western University
No classification provided (evidence only). Condition: Gastric cancer. Review status: no classification provided. Collection method: in vitro. Allele origin: not applicable. Functional consequence: retained intron. Not counted in ClinVar's aggregate classification.